The following is an entry in ClinVar:

ClinVar aggregate classification (germline): Conflicting classifications of pathogenicity. Review status: criteria provided, conflicting classifications (1 of 4 stars). 5 submissions from 5 submitters: Uncertain significance (1); Likely benign (2). 2 of the submissions do not count toward it. Last evaluated 2026-01-14.

Conditions:
Glycine encephalopathy 1 (GCE1). Identifiers: MedGen CN376801, MONDO:0958179, OMIM 605899.
Glycine encephalopathy. Also called: Nonketotic hyperglycinemia; Non-ketotic hyperglycinemia. Identifiers: Orphanet 407, MedGen C0751748, MONDO:0011612, HP:0008288.

Allele frequency attached by ClinVar (database versions not stated): gnomAD below 0.00001 and 0.00015; TOPMed 0.00002; gnomAD exomes 0.00011 and 0.00018; ExAC 0.00019; 1000 Genomes Project 30x 0.00078; 1000 Genomes Project 0.00080.
gnomAD v4.1: 177 of 1,614,098 alleles (0.011%); highest among the groups gnomAD compares: South Asian, 0.18%; no homozygotes.

Submissions (5):

Labcorp Genetics (formerly Invitae), Labcorp
Classification: Likely benign for Glycine encephalopathy. Last evaluated: 2026-01-14. Review status: criteria provided, single submitter. Criteria: Invitae Variant Classification Sherloc (09022015). Collection method: clinical testing. Allele origin: germline.

CeGaT Center for Human Genetics Tuebingen
Classification: Likely benign. Last evaluated: 2022-09-01. Review status: criteria provided, single submitter. Criteria: CeGaT Center For Human Genetics Tuebingen Variant Classification Criteria Version 2. Collection method: clinical testing. Allele origin: germline. Affected: yes. Observed: 1 variant allele.
Comment: GLDC: BP4

Revvity Omics, Revvity
Classification: Uncertain significance for Glycine encephalopathy 1. Last evaluated: 2019-04-17. Review status: criteria provided, single submitter. Criteria: ACMG Guidelines, 2015. Collection method: clinical testing. Allele origin: germline.

Natera, Inc.
Classification: Likely benign for Non-ketotic hyperglycinemia. Last evaluated: 2020-09-16. Review status: no assertion criteria provided. Collection method: clinical testing. Allele origin: germline. Not counted in ClinVar's aggregate classification.

Counsyl
Classification: Uncertain significance for Glycine encephalopathy 1. Last evaluated: 2017-10-18. Review status: no assertion criteria provided. Collection method: clinical testing. Allele origin: unknown. Not counted in ClinVar's aggregate classification.

Literature cited by the submitters: PubMed 27362913 (cited by Counsyl).

NM_000170.3(GLDC):c.1927-4G>A

Gene: GLDC (glycine decarboxylase; minus strand). Cytogenetic location: 9p24.1.
Variant type: single nucleotide variant.
Coding change: c.1927-4G>A on transcript NM_000170.3 (MANE Select); 4 bases into the intron before coding-DNA position 1927, G replaced by A.
Molecular consequence: intron variant.
Genome position (GRCh38, 1-based): chr9:6,558,688, C>T on the plus strand (G>A on the coding strand, the complement: GLDC is on the minus strand). VCF-style: chr9-6558688-C-T. GRCh37 (hg19) VCF-style: chr9-6558688-C-T.
Identifiers: ClinVar variation 554434 (VCV000554434.41), dbSNP rs576723612, ClinGen allele CA4980457.